The following is an entry in ClinVar:

ClinVar aggregate classification (germline): Likely benign. Review status: criteria provided, multiple submitters, no conflicts (2 of 4 stars). 2 submissions from 2 submitters: Likely benign (2). Last evaluated 2025-08-27.

Conditions:
Emery-Dreifuss muscular dystrophy 4, autosomal dominant (EDMD4). Also called: EMERY-DREIFUSS MUSCULAR DYSTROPHY 4 WITH VARIABLE FEATURES. Identifiers: Orphanet 261, MedGen C2751807, MONDO:0013071, OMIM 612998.
Autosomal recessive ataxia, Beauce type. Also called: Spinocerebellar ataxia, autosomal recessive 8; ATAXIA, RECESSIVE, OF BEAUCE; SYNE1-Related Autosomal Recessive Cerebellar Ataxia; SYNE1 Deficiency. Identifiers: Orphanet 88644, MedGen C1853116, MONDO:0012549, OMIM 610743.

Allele frequency attached by ClinVar (database versions not stated): ExAC 0.00001; gnomAD exomes 0.00001; ESP Exome Variant Server 0.00008.
gnomAD v4.1: 11 of 1,614,060 alleles (0.00068%); highest among the groups gnomAD compares: Middle Eastern, 0.016%; no homozygotes.

Submissions (2):

Mayo Clinic Laboratories, Mayo Clinic
Classification: Likely benign. Last evaluated: 2025-08-27. Review status: criteria provided, single submitter. Criteria: ACMG Guidelines, 2015. Collection method: clinical testing. Allele origin: germline. Observed: 2 variant alleles.
Comment: BP4, BP7

Labcorp Genetics (formerly Invitae), Labcorp
Classification: Likely benign for Emery-Dreifuss muscular dystrophy 4, autosomal dominant; Autosomal recessive ataxia, Beauce type. Last evaluated: 2024-09-17. Review status: criteria provided, single submitter. Criteria: Invitae Variant Classification Sherloc (09022015). Collection method: clinical testing. Allele origin: germline.

NM_182961.4(SYNE1):c.24978G>T (p.Gly8326=)

Gene: SYNE1 (spectrin repeat containing nuclear envelope protein 1; minus strand). Cytogenetic location: 6q25.2.
Variant type: single nucleotide variant.
Coding change: c.24978G>T on transcript NM_182961.4 (MANE Select); coding-DNA position 24978, G replaced by T.
Protein change: p.Gly8326=; no amino-acid change (glycine 8326 retained).
Molecular consequence: synonymous variant.
Genome position (GRCh38, 1-based): chr6:152,143,764, C>A on the plus strand (G>T on the coding strand, the complement: SYNE1 is on the minus strand). VCF-style: chr6-152143764-C-A. GRCh37 (hg19) VCF-style: chr6-152464899-C-A.
Other names: p.Gly8278=; c.1584G>T, p.Gly528= (NM_001347701.2); c.1512G>T, p.Gly504= (NM_001347702.2); c.24834G>T, p.Gly8278= (NM_033071.5).
Identifiers: ClinVar variation 2933975 (VCV002933975.4), dbSNP rs370906311, ClinGen allele CA4052982.